The following is an entry in ClinVar:

NM_130811.4(SNAP25):c.118A>G (p.Lys40Glu)

Gene: SNAP25 (synaptosome associated protein 25; plus strand). Cytogenetic location: 20p12.2.
Variant type: single nucleotide variant.
Coding change: c.118A>G on transcript NM_130811.4 (MANE Select); coding-DNA position 118, A replaced by G.
Protein change: p.Lys40Glu; replaces lysine 40 with glutamic acid.
Molecular consequence: missense variant.
Genome position (GRCh38, 1-based): chr20:10,284,727, A>G. VCF-style: chr20-10284727-A-G. GRCh37 (hg19) VCF-style: chr20-10265375-A-G.
Other names: c.118A>G, p.Lys40Glu (NM_001322902.2, NM_001322903.2, NM_001322904.2 and 7 more transcripts); short protein forms K40E.
Identifiers: ClinVar variation 1172639 (VCV001172639.4), dbSNP rs2123063802, ClinGen allele CA408265431.
Genomic context (GRCh38, chr20:10,284,727, plus strand): 5'-TTCTCTCTTTTCTCTCTCTAACTCCTTTTCAACTTTGCTACCATTATTGGAATGTAGAGT[A>G]AAGATGCTGGTATCAGGACTTTGGTTATGTTGGATGAACAAGGAGGTAAGTTCAGATTTC-3'
Protein context (NP_570824.1, residues 30-50): RRMLQLVEES[Lys40Glu]DAGIRTLVML

ClinVar aggregate classification (germline): Likely pathogenic. Review status: criteria provided, multiple submitters, no conflicts (2 of 4 stars). 3 submissions from 3 submitters: Likely pathogenic (3). Last evaluated 2026-04-28.

Conditions:
Global developmental delay (DD). Also called: Cognitive delay. Identifiers: MedGen C0557874, HP:0001263. Disease mechanism: loss of function.
Developmental and epileptic encephalopathy. Identifiers: MedGen C5779964, MONDO:0100620.
Congenital myasthenic syndrome 18. Also called: MYASTHENIC SYNDROME, CONGENITAL, 18, WITH INTELLECTUAL DISABILITY AND ATAXIA. Identifiers: Orphanet 590, MedGen C4225364, MONDO:0014590, OMIM 616330.

Submissions (3):

Wales Gene Park, Division Of Cancer and Genetics, Cardiff University
Classification: Likely pathogenic for Congenital myasthenic syndrome 18. Last evaluated: 2026-04-28. Review status: criteria provided, single submitter. Criteria: ACGS Best Practice Guidelines for Variant Classification in Rare Disease 2024. Collection method: research. Allele origin: de novo. Inheritance: Autosomal dominant inheritance. Affected: yes. Study: 100,000 Genomes Project (Wales).
Comment: De novo SNAP25 missense variant detected by trio genome sequencing. The variant is located in the t-SNARE coiled-coil homology domain 1 which is a hotspot for pathogenic variants. Not present in gnomAD (v4.1.1). Constrained gene (gnomAD missense Z score 4.13). Variant reported de novo twice in ClinVar (Accession: VCV001172639.3). Evidence codes: PM2, PP2, PS2_moderate, PM1_supporting.

Institute of Human Genetics, University of Leipzig Medical Center
Classification: Likely pathogenic for Early-infantile DEE. Last evaluated: 2020-07-15. Review status: criteria provided, single submitter. Criteria: ACMG Guidelines, 2015. Collection method: clinical testing. Allele origin: de novo. Affected: yes.
Comment: This variant was identified as de novo (maternity and paternity confirmed).

Equipe Genetique des Anomalies du Developpement, Université de Bourgogne
Classification: Likely pathogenic for Global developmental delay. Review status: criteria provided, single submitter. Criteria: ACMG Guidelines, 2015. Collection method: clinical testing. Allele origin: de novo. Affected: yes.

Literature cited by the submitters: PubMed 33299146 (cited by Wales Gene Park, Division Of Cancer and Genetics, Cardiff University and Institute of Human Genetics, University of Leipzig Medical Center).